The following is an entry in ClinVar:

NM_001365536.1(SCN9A):c.540A>C (p.Glu180Asp)

Gene: SCN9A (sodium voltage-gated channel alpha subunit 9; minus strand). Cytogenetic location: 2q24.3.
Variant type: single nucleotide variant.
Coding change: c.540A>C on transcript NM_001365536.1 (MANE Select); coding-DNA position 540, A replaced by C.
Protein change: p.Glu180Asp; replaces glutamic acid 180 with aspartic acid.
Molecular consequence: missense variant.
Genome position (GRCh38, 1-based): chr2:166,305,848, T>G on the plus strand (A>C on the coding strand, the complement: SCN9A is on the minus strand). VCF-style: chr2-166305848-T-G. GRCh37 (hg19) VCF-style: chr2-167162358-T-G.
Other names: c.540A>C, p.Glu180Asp (NM_002977.4); short protein forms E180D.
Identifiers: ClinVar variation 2950214 (VCV002950214.3), dbSNP rs2468130031, ClinGen allele CA349095129.

ClinVar aggregate classification (germline): Uncertain significance (1 of 4 stars; one submission).

Conditions:
Neuropathy, hereditary sensory and autonomic, type 2A (HSAN2A). Also called: ACROOSTEOLYSIS, GIACCAI TYPE; ACROOSTEOLYSIS, NEUROGENIC; MORVAN DISEASE; NEUROPATHY, CONGENITAL SENSORY; NEUROPATHY, HEREDITARY SENSORY RADICULAR, AUTOSOMAL RECESSIVE; NEUROPATHY, HEREDITARY SENSORY, TYPE IIA. Identifiers: Orphanet 970, MedGen C2752089, MONDO:0024309, OMIM 201300.
Generalized epilepsy with febrile seizures plus, type 7 (GEFSP7). Also called: GEFS+, TYPE 7. Identifiers: Orphanet 36387, MedGen C2751778, MONDO:0013470, OMIM 613863.

Allele frequency attached by ClinVar (database versions not stated): gnomAD exomes below 0.00001.
gnomAD v4.1: 1 of 1,613,412 alleles (0.000062%); highest among the groups gnomAD compares: African/African-American, 0.0013%; no homozygotes.

Submission:

Labcorp Genetics (formerly Invitae), Labcorp
Classification: Uncertain significance for Neuropathy, hereditary sensory and autonomic, type 2A; Generalized epilepsy with febrile seizures plus, type 7. Last evaluated: 2024-03-04. Review status: criteria provided, single submitter. Criteria: Invitae Variant Classification Sherloc (09022015). Collection method: clinical testing. Allele origin: germline.
Comment: This sequence change replaces glutamic acid, which is acidic and polar, with aspartic acid, which is acidic and polar, at codon 180 of the SCN9A protein (p.Glu180Asp). This variant is not present in population databases (gnomAD no frequency). This variant has not been reported in the literature in individuals affected with SCN9A-related conditions. Advanced modeling of protein sequence and biophysical properties (such as structural, functional, and spatial information, amino acid conservation, physicochemical variation, residue mobility, and thermodynamic stability) performed at Invitae indicates that this missense variant is not expected to disrupt SCN9A protein function with a negative predictive value of 95%. In summary, the available evidence is currently insufficient to determine the role of this variant in disease. Therefore, it has been classified as a Variant of Uncertain Significance.